The following is an entry in ClinVar:

NM_000136.3(FANCC):c.596del (p.Leu199fs)

Genes: FANCC (FA complementation group C; minus strand), AOPEP (aminopeptidase O (putative); plus strand). Cytogenetic location: 9q22.32.
Variant type: Deletion.
Coding change: c.596del on transcript NM_000136.3 (MANE Select); coding-DNA position 596, one base deleted (T; older notation c.596delT).
Protein change: p.Leu199fs; shifts the reading frame from leucine 199.
Molecular consequence: frameshift variant.
Genome position (GRCh38, 1-based): chr9:95,150,013, A deleted on the plus strand (T on the coding strand, the reverse complement: FANCC is on the minus strand). VCF-style (leftmost placement, unchanged base first): chr9-95150012-CA-C. GRCh37 (hg19) VCF-style: chr9-97912294-CA-C.
Other names: c.596del, p.Leu199fs (NM_001243743.2, NM_001243744.2); short protein forms L199fs.
Identifiers: ClinVar variation 3512785 (VCV003512785.1).

ClinVar aggregate classification (germline): Pathogenic (1 of 4 stars; one submission).

Conditions:
Hereditary cancer-predisposing syndrome. Also called: Tumor predisposition; Neoplastic Syndromes, Hereditary; Hereditary Cancer Syndrome; Hereditary neoplastic syndrome. Identifiers: Orphanet 140162, MedGen C0027672, MeSH D009386, MONDO:0015356.

Submission:

Ambry Genetics
Classification: Pathogenic for Hereditary cancer-predisposing syndrome. Last evaluated: 2024-10-10. Review status: criteria provided, single submitter. Criteria: Ambry Variant Classification Scheme 2023. Collection method: clinical testing. Allele origin: germline.
Comment: The c.596delT pathogenic mutation, located in coding exon 6 of the FANCC gene, results from a deletion of one nucleotide at nucleotide position 596, causing a translational frameshift with a predicted alternate stop codon (p.L199Rfs*25). This variant is considered to be rare based on population cohorts in the Genome Aggregation Database (gnomAD). This alteration is expected to result in loss of function by premature protein truncation or nonsense-mediated mRNA decay. As such, this alteration is interpreted as a disease-causing mutation.